The following is an entry in ClinVar:

ClinVar aggregate classification (germline): Conflicting classifications of pathogenicity. Review status: criteria provided, conflicting classifications (1 of 4 stars). 6 submissions from 6 submitters: Uncertain significance (5); Benign (1). Last evaluated 2026-06-11.

Conditions:
PIEZO1-related disorder. Also called: PIEZO1-Related Disorders; PIEZO1-related condition.

Allele frequency attached by ClinVar (database versions not stated): ExAC 0.00010; gnomAD exomes 0.00030; TOPMed 0.00034.

Submissions (6):

PreventionGenetics, part of Exact Sciences
Classification: Uncertain significance for PIEZO1-related condition. Last evaluated: 2026-06-11. Review status: criteria provided, single submitter. Criteria: ACMG Guidelines, 2015. Collection method: clinical testing. Allele origin: germline.
Comment: The PIEZO1 c.7471C>T variant is predicted to result in the amino acid substitution p.Arg2491Trp. This variant has been reported in an individual with hereditary xerocytosis (Picard et al. 2019. PubMed ID: 30655378). This variant is reported in 0.062% of alleles in individuals of European (Non-Finnish) descent in gnomAD. At this time, the clinical significance of this variant is uncertain due to the absence of conclusive functional and genetic evidence.

Labcorp Genetics (formerly Invitae), Labcorp
Classification: Benign. Last evaluated: 2026-01-23. Review status: criteria provided, single submitter. Criteria: Invitae Variant Classification Sherloc (09022015). Collection method: clinical testing. Allele origin: germline.

Mayo Clinic Laboratories, Mayo Clinic
Classification: Uncertain significance. Last evaluated: 2025-06-05. Review status: criteria provided, single submitter. Criteria: ACMG Guidelines, 2015. Collection method: clinical testing. Allele origin: germline. Observed: 3 variant alleles.

Center for Genomic Medicine, Rigshospitalet, Copenhagen University Hospital
Classification: Uncertain significance. Last evaluated: 2025-03-04. Review status: criteria provided, single submitter. Criteria: ACMG Guidelines, 2015. Collection method: clinical testing. Allele origin: germline.

Revvity Omics, Revvity
Classification: Uncertain significance. Last evaluated: 2024-02-15. Review status: criteria provided, single submitter. Criteria: ACMG Guidelines, 2015. Collection method: clinical testing. Allele origin: germline.

ARUP Laboratories, Molecular Genetics and Genomics, ARUP Laboratories
Classification: Uncertain significance. Last evaluated: 2024-01-19. Review status: criteria provided, single submitter. Criteria: ARUP Molecular Germline Variant Investigation Process 2024. Collection method: clinical testing. Allele origin: germline.

Literature cited by the submitters: PubMed 30655378 (cited by Mayo Clinic Laboratories, Mayo Clinic and Center for Genomic Medicine, Rigshospitalet, Copenhagen University Hospital).

NM_001142864.4(PIEZO1):c.7471C>T (p.Arg2491Trp)

Gene: PIEZO1 (piezo type mechanosensitive ion channel component 1 (Er blood group); minus strand). Cytogenetic location: 16q24.3.
Variant type: single nucleotide variant.
Coding change: c.7471C>T on transcript NM_001142864.4 (MANE Select); coding-DNA position 7471, C replaced by T.
Protein change: p.Arg2491Trp; replaces arginine 2491 with tryptophan.
Molecular consequence: missense variant.
Genome position (GRCh38, 1-based): chr16:88,715,700, G>A on the plus strand (C>T on the coding strand, the complement: PIEZO1 is on the minus strand). VCF-style: chr16-88715700-G-A. GRCh37 (hg19) VCF-style: chr16-88782108-G-A.
Other names: c.7471C>T (NM_001142864.3); short protein forms R2491W.
Identifiers: ClinVar variation 995641 (VCV000995641.24), dbSNP rs201746476, ClinGen allele CA8231308.